The following is an entry in ClinVar:

NM_001963.6(EGF):c.186A>C (p.Glu62Asp)

Gene: EGF (epidermal growth factor; plus strand). Cytogenetic location: 4q25.
Variant type: single nucleotide variant.
Coding change: c.186A>C on transcript NM_001963.6 (MANE Select); coding-DNA position 186, A replaced by C.
Protein change: p.Glu62Asp; replaces glutamic acid 62 with aspartic acid.
Molecular consequence: missense variant.
Genome position (GRCh38, 1-based): chr4:109,941,004, A>C. VCF-style: chr4-109941004-A-C. GRCh37 (hg19) VCF-style: chr4-110862160-A-C.
Other names: c.186A>C, p.Glu62Asp (NM_001178130.3, NM_001178131.3, NM_001357021.2); short protein forms E62D.
Identifiers: ClinVar variation 3686822 (VCV003686822.2).

ClinVar aggregate classification (germline): Uncertain significance (1 of 4 stars; one submission).

gnomAD v4.1: 2 of 1,614,112 alleles (0.00012%); highest among the groups gnomAD compares: Non-Finnish European, 0.00017%; no homozygotes.

Submission:

Labcorp Genetics (formerly Invitae), Labcorp
Classification: Uncertain significance. Last evaluated: 2024-07-30. Review status: criteria provided, single submitter. Criteria: Invitae Variant Classification Sherloc (09022015). Collection method: clinical testing. Allele origin: germline.
Comment: This sequence change replaces glutamic acid, which is acidic and polar, with aspartic acid, which is acidic and polar, at codon 62 of the EGF protein (p.Glu62Asp). This variant is not present in population databases (gnomAD no frequency). This variant has not been reported in the literature in individuals affected with EGF-related conditions. An algorithm developed to predict the effect of missense changes on protein structure and function outputs the following: PolyPhen-2: "Benign". The aspartic acid amino acid residue is found in multiple mammalian species, which suggests that this missense change does not adversely affect protein function. In summary, the available evidence is currently insufficient to determine the role of this variant in disease. Therefore, it has been classified as a Variant of Uncertain Significance.